The following is an entry in ClinVar:

ClinVar aggregate classification (germline): Uncertain significance (1 of 4 stars; one submission).

Submission:

Labcorp Genetics (formerly Invitae), Labcorp
Classification: Uncertain significance. Last evaluated: 2022-10-17. Review status: criteria provided, single submitter. Criteria: Invitae Variant Classification Sherloc (09022015). Collection method: clinical testing. Allele origin: germline.
Comment: This sequence change replaces glutamine, which is neutral and polar, with histidine, which is basic and polar, at codon 145 of the SOST protein (p.Gln145His). Information on the frequency of this variant in the gnomAD database is not available, as this variant may be reported differently in the database. In summary, the available evidence is currently insufficient to determine the role of this variant in disease. Therefore, it has been classified as a Variant of Uncertain Significance. Experimental studies and prediction algorithms are not available or were not evaluated, and the functional significance of this variant is currently unknown. This variant has not been reported in the literature in individuals affected with SOST-related conditions.

NM_025237.3(SOST):c.435_436delinsTT (p.Gln145His)

Gene: SOST (sclerostin; minus strand). Cytogenetic location: 17q21.31.
Variant type: Indel.
Coding change: c.435_436delinsTT on transcript NM_025237.3 (MANE Select); coding-DNA positions 435 to 436, GC replaced by TT.
Protein change: p.Gln145His; replaces glutamine 145 with histidine.
Molecular consequence: missense variant.
Genome position (GRCh38, 1-based): chr17:43,755,548-43,755,549, GC replaced by AA on the plus strand (GC replaced by TT on the coding strand, the reverse complement: SOST is on the minus strand). VCF-style: chr17-43755548-GC-AA. GRCh37 (hg19) VCF-style: chr17-41832916-GC-AA.
Other names: short protein forms Q145H.
Identifiers: ClinVar variation 1963376 (VCV001963376.5), dbSNP rs2508689713, ClinGen allele CA2580093824.